The following is an entry in ClinVar:

ClinVar aggregate classification (germline): Uncertain significance (1 of 4 stars; one submission).

Allele frequency attached by ClinVar (database versions not stated): gnomAD exomes below 0.00001 and 0.00001; TOPMed 0.00001; gnomAD 0.00002.
gnomAD v4.1: 24 of 1,579,634 alleles (0.0015%); highest among the groups gnomAD compares: Non-Finnish European, 0.0018%; no homozygotes.

Submission:

Labcorp Genetics (formerly Invitae), Labcorp
Classification: Uncertain significance. Last evaluated: 2021-08-12. Review status: criteria provided, single submitter. Criteria: Invitae Variant Classification Sherloc (09022015). Collection method: clinical testing. Allele origin: germline.
Comment: In summary, the available evidence is currently insufficient to determine the role of this variant in disease. Therefore, it has been classified as a Variant of Uncertain Significance. Algorithms developed to predict the effect of sequence changes on RNA splicing suggest that this variant may create or strengthen a splice site. Algorithms developed to predict the effect of missense changes on protein structure and function are either unavailable or do not agree on the potential impact of this missense change (SIFT: "Deleterious"; PolyPhen-2: "Probably Damaging"; Align-GVGD: "Class C0"). This variant has not been reported in the literature in individuals affected with SORL1-related conditions. This variant is not present in population databases (ExAC no frequency). This sequence change replaces aspartic acid with glycine at codon 2207 of the SORL1 protein (p.Asp2207Gly). The aspartic acid residue is moderately conserved and there is a moderate physicochemical difference between aspartic acid and glycine.

NM_003105.6(SORL1):c.6620A>G (p.Asp2207Gly)

Gene: SORL1 (sortilin related receptor 1; plus strand). Cytogenetic location: 11q24.1.
Variant type: single nucleotide variant.
Coding change: c.6620A>G on transcript NM_003105.6 (MANE Select); coding-DNA position 6620, A replaced by G.
Protein change: p.Asp2207Gly; replaces aspartic acid 2207 with glycine.
Molecular consequence: missense variant.
Genome position (GRCh38, 1-based): chr11:121,629,538, A>G. VCF-style: chr11-121629538-A-G. GRCh37 (hg19) VCF-style: chr11-121500247-A-G.
Other names: short protein forms D2207G.
Identifiers: ClinVar variation 1505557 (VCV001505557.6), dbSNP rs1379473559, ClinGen allele CA383049198.